The following is an entry in ClinVar:

NM_015338.6(ASXL1):c.2186G>C (p.Ser729Thr)

Gene: ASXL1 (ASXL transcriptional regulator 1; plus strand). Cytogenetic location: 20q11.21.
Variant type: single nucleotide variant.
Coding change: c.2186G>C on transcript NM_015338.6 (MANE Select); coding-DNA position 2186, G replaced by C.
Protein change: p.Ser729Thr; replaces serine 729 with threonine.
Molecular consequence: missense variant.
Genome position (GRCh38, 1-based): chr20:32,434,898, G>C. VCF-style: chr20-32434898-G-C. GRCh37 (hg19) VCF-style: chr20-31022701-G-C.
Other names: c.2003G>C, p.Ser668Thr (NM_001363734.1); short protein forms S668T, S729T.
Identifiers: ClinVar variation 3764117 (VCV003764117.2).

ClinVar aggregate classification (germline): Uncertain significance. Review status: criteria provided, multiple submitters, no conflicts (2 of 4 stars). 3 submissions from 3 submitters: Uncertain significance (3). Last evaluated 2026-09-16.

Conditions:
Inborn genetic diseases. Identifiers: MedGen C0950123, MeSH D030342.
Myeloproliferative neoplasm. Identifiers: Orphanet 98274, MedGen C1292778, MONDO:0020076.

Submissions (3):

Dept of Medical Biology, Uskudar University
Classification: Uncertain significance for Myeloproliferative neoplasm. Last evaluated: 2026-09-16. Review status: criteria provided, single submitter. Criteria: Dept of Medical Biology Variant Classification. Collection method: research. Allele origin: unknown. Affected: yes. Observed: 1 variant allele.
Comment: PM2_supporting: absent from gnomAD v4.1. BP4: computational evidence suggests no impact (SIFT 0.05 tolerated; PolyPhen-2 0.129 benign). Classified as uncertain significance under the ACMG/AMP 2015 guidelines (PMID:25741868). Detected in a retrospective series of 256 BCR::ABL1-negative and JAK2 V617F-negative patients referred for molecular investigation of a suspected myeloproliferative neoplasm (May 2007 to January 2015) and re-interpreted under the ACMG/AMP 2015 criteria.

Ambry Genetics
Classification: Uncertain significance for Inborn genetic diseases. Last evaluated: 2026-09-06. Review status: criteria provided, single submitter. Criteria: Ambry Variant Classification Scheme 2023. Collection method: clinical testing. Allele origin: germline.
Comment: The p.S729T variant (also known as c.2186G>C), located in coding exon 13 of the ASXL1 gene, results from a G to C substitution at nucleotide position 2186. The serine at codon 729 is replaced by threonine, an amino acid with similar properties. This amino acid position is conserved. In addition, this alteration is predicted to be tolerated by in silico analysis. Based on the available evidence, the clinical significance of this variant remains unclear.

GeneDx
Classification: Uncertain significance. Last evaluated: 2024-08-22. Review status: criteria provided, single submitter. Criteria: GeneDx Variant Classification Process June 2021. Collection method: clinical testing. Allele origin: germline. Affected: yes.
Comment: Not observed at significant frequency in large population cohorts (gnomAD); In silico analysis indicates that this missense variant does not alter protein structure/function; Has not been previously published as pathogenic or benign to our knowledge